The following is an entry in ClinVar:

NM_001040108.2(MLH3):c.240G>A (p.Ser80=)

Gene: MLH3 (mutL homolog 3; minus strand). Cytogenetic location: 14q24.3.
Variant type: single nucleotide variant.
Coding change: c.240G>A on transcript NM_001040108.2 (MANE Select); coding-DNA position 240, G replaced by A.
Protein change: p.Ser80=; no amino-acid change (serine 80 retained).
Molecular consequence: synonymous variant.
Genome position (GRCh38, 1-based): chr14:75,049,416, C>T on the plus strand (G>A on the coding strand, the complement: MLH3 is on the minus strand). VCF-style: chr14-75049416-C-T. GRCh37 (hg19) VCF-style: chr14-75516119-C-T.
Other names: c.240G>A, p.Ser80= (NM_014381.3).
Identifiers: ClinVar variation 1536757 (VCV001536757.12), dbSNP rs766371279, ClinGen allele CA7276068.
Genomic context (GRCh38, chr14:75,049,416, plus strand): 5'-AATATTTGCCAAGGCCTCTCCTCGGAAACCATAAAACCTTGGATTCTCCAAGTCCTGTAC[C>T]GAGTGGCATTTACTGGTGAAATAACGATTTCCCACTTTCTCTACATCATCACTCCCCATC-3'
Protein context (NP_001035197.1, residues 70-90): GNRYFTSKCH[Ser80=]VQDLENPRFY

ClinVar aggregate classification (germline): Benign/Likely benign. Review status: criteria provided, multiple submitters, no conflicts (2 of 4 stars). 4 submissions from 4 submitters: Benign (1); Likely benign (3). Last evaluated 2026-04-28.

Conditions:
Colorectal cancer, hereditary nonpolyposis, type 7. Identifiers: Orphanet 144, MedGen C1858380, MONDO:0013725, OMIM 614385.

Allele frequency attached by ClinVar (database versions not stated): gnomAD exomes 0.00001; ExAC 0.00002; TOPMed 0.00002.
gnomAD v4.1: 13 of 1,614,012 alleles (0.00081%); highest among the groups gnomAD compares: Middle Eastern, 0.016%; no homozygotes.

Submissions (4):

Myriad Genetics, Inc.
Classification: Benign for Colorectal cancer, hereditary nonpolyposis, type 7. Last evaluated: 2026-04-28. Review status: criteria provided, single submitter. Criteria: Myriad Autosomal Dominant, Autosomal Recessive and X-Linked Classification Criteria (2023). Collection method: clinical testing. Allele origin: unknown.
Comment: This variant is considered benign. This variant is a silent/synonymous amino acid change and it is not expected to impact splicing.

Labcorp Genetics (formerly Invitae), Labcorp
Classification: Likely benign for Colorectal cancer, hereditary nonpolyposis, type 7. Last evaluated: 2025-06-15. Review status: criteria provided, single submitter. Criteria: Invitae Variant Classification Sherloc (09022015). Collection method: clinical testing. Allele origin: germline.

Blueprint Genetics
Classification: Likely benign. Last evaluated: 2024-08-06. Review status: criteria provided, single submitter. Criteria: ACMG Guidelines, 2015. Collection method: clinical testing. Allele origin: germline.

Ambry Genetics
Classification: Likely benign. Last evaluated: 2022-01-13. Review status: criteria provided, single submitter. Criteria: Ambry Variant Classification Scheme 2023. Collection method: clinical testing. Allele origin: germline.